The following is an entry in ClinVar:

ClinVar aggregate classification (germline): Benign. Review status: criteria provided, multiple submitters, no conflicts (2 of 4 stars). 6 submissions from 5 submitters: Benign (6). Last evaluated 2026-01-27.

Conditions:
Nephronophthisis. Also called: Juvenile Nephronophthisis. Identifiers: Orphanet 655, MedGen C0687120, MONDO:0019005, HP:0000090.
Nephronophthisis 4 (NPHP4). Also called: NEPHRONOPHTHISIS 4, JUVENILE. Identifiers: Orphanet 655, MedGen C1847013, MONDO:0011752, OMIM 606966.
Senior-Loken syndrome 4 (SLSN4). Identifiers: Orphanet 3156, MedGen C1846979, MONDO:0011756, OMIM 606996.

Allele frequency attached by ClinVar (database versions not stated): gnomAD exomes 0.00095 and 0.00335; TOPMed 0.00147; gnomAD 0.00188; ExAC 0.00293; 1000 Genomes Project 30x 0.00843; 1000 Genomes Project 0.00978.
gnomAD v4.1: 1,620 of 1,608,364 alleles (0.1%); highest among the groups gnomAD compares: East Asian, 3.1%; 26 homozygotes.

Submissions (6):

Labcorp Genetics (formerly Invitae), Labcorp
Classification: Benign for Nephronophthisis. Last evaluated: 2026-01-27. Review status: criteria provided, single submitter. Criteria: Invitae Variant Classification Sherloc (09022015). Collection method: clinical testing. Allele origin: germline.

Mayo Clinic Laboratories, Mayo Clinic
Classification: Benign. Last evaluated: 2025-09-08. Review status: criteria provided, single submitter. Criteria: ACMG Guidelines, 2015. Collection method: clinical testing. Allele origin: germline. Observed: 1 variant allele.
Comment: BA1, BP4, BP7

Illumina Laboratory Services, Illumina
Classification: Benign for Senior-Loken syndrome 4. Last evaluated: 2018-01-13. Review status: criteria provided, single submitter. Criteria: ICSL Variant Classification Criteria 13 December 2019. Collection method: clinical testing. Allele origin: germline.
Comment: This variant was observed in the ICSL laboratory as part of a predisposition screen in an ostensibly healthy population. It had not been previously curated by ICSL or reported in the Human Gene Mutation Database (HGMD: prior to June 1st, 2018), and was therefore a candidate for classification through an automated scoring system. Utilizing variant allele frequency, disease prevalence and penetrance estimates, and inheritance mode, an automated score was calculated to assess if this variant is too frequent to cause the disease. Based on the score and internal cut-off values, a variant classified as benign is not then subjected to further curation. The score for this variant resulted in a classification of benign for this disease.

Illumina Laboratory Services, Illumina
Classification: Benign for Nephronophthisis 4. Last evaluated: 2018-01-13. Review status: criteria provided, single submitter. Criteria: ICSL Variant Classification Criteria 13 December 2019. Collection method: clinical testing. Allele origin: germline.
Comment: the same text as in the submission from Illumina Laboratory Services, Illumina above.

Eurofins Ntd Llc (ga)
Classification: Benign. Last evaluated: 2014-01-30. Review status: criteria provided, single submitter. Criteria: EGL Classification Definitions 2015. Collection method: clinical testing. Allele origin: germline. Observed: 1 variant allele, 1 heterozygote.

PreventionGenetics, part of Exact Sciences
Classification: Benign. Review status: criteria provided, single submitter. Criteria: ACMG Guidelines, 2015. Collection method: clinical testing. Allele origin: germline.

NM_015102.5(NPHP4):c.2868C>T (p.Ala956=)

Gene: NPHP4 (nephrocystin 4; minus strand). Cytogenetic location: 1p36.31.
Variant type: single nucleotide variant.
Coding change: c.2868C>T on transcript NM_015102.5 (MANE Select); coding-DNA position 2868, C replaced by T.
Protein change: p.Ala956=; no amino-acid change (alanine 956 retained).
Molecular consequence: synonymous variant. On other transcripts: non-coding transcript variant (1).
Genome position (GRCh38, 1-based): chr1:5,875,050, G>A on the plus strand (C>T on the coding strand, the complement: NPHP4 is on the minus strand). VCF-style: chr1-5875050-G-A. GRCh37 (hg19) VCF-style: chr1-5935110-G-A.
Other names: p.Ala956=; c.1329C>T, p.Ala443= (NM_001291593.2); c.1332C>T, p.Ala444= (NM_001291594.2).
Identifiers: ClinVar variation 167374 (VCV000167374.21), dbSNP rs138025088, ClinGen allele CA180237.